The following is an entry in ClinVar:

ClinVar aggregate classification (germline): Conflicting classifications of pathogenicity. Review status: criteria provided, conflicting classifications (1 of 4 stars). 25 submissions from 21 submitters: Uncertain significance (1); Benign (15); Likely benign (3). 6 of the submissions do not count toward it. Last evaluated 2026-09-01.

Conditions:
TTN-related myopathy. Identifiers: MedGen CN294812, MONDO:0100175.
Cardiovascular phenotype. Identifiers: MedGen CN230736.
Autosomal recessive limb-girdle muscular dystrophy type 2J (LGMDR10). Also called: MUSCULAR DYSTROPHY, LIMB-GIRDLE, AUTOSOMAL RECESSIVE 10; Limb-girdle muscular dystrophy, type 2J. Identifiers: Orphanet 140922, MedGen C1837342, MONDO:0012127, OMIM 608807.
Dilated cardiomyopathy 1G (CMD1G). Identifiers: Orphanet 154, MedGen C1858763, MONDO:0011400, OMIM 604145.
Early-onset myopathy with fatal cardiomyopathy (CMYO5). Also called: CONGENITAL MYOPATHY 5 WITH CARDIOMYOPATHY; Salih Myopathy. Identifiers: Orphanet 289377, MedGen C2673677, MONDO:0012714, OMIM 611705. Disease mechanism: loss of function.
Hypertrophic cardiomyopathy 9. Also called: Familial hypertrophic cardiomyopathy 9. Identifiers: MedGen C1861065, MONDO:0013412, OMIM 613765.
Myopathy, myofibrillar, 9, with early respiratory failure (MFM9). Also called: Myopathy, distal, with early respiratory failure, autosomal dominant; Hereditary myopathy with early respiratory failure; EDSTROM MYOPATHY; MYOPATHY, PROXIMAL, WITH EARLY RESPIRATORY MUSCLE INVOLVEMENT. Identifiers: Orphanet 178464, Orphanet 34521, MedGen C1863599, MONDO:0011362, OMIM 603689.
Tibial muscular dystrophy (TMD). Also called: Tibial muscular dystrophy, tardive; Udd Distal Myopathy – Tibial Muscular Dystrophy; UDD MYOPATHY. Identifiers: Orphanet 609, MedGen C1838244, MONDO:0010870, OMIM 600334.
Cardiomyopathy (CMYO). Also called: Cardiomyopathies. Identifiers: Orphanet 167848, MedGen C0878544, MONDO:0004994, HP:0001638. Inheritance: Various modes of inheritance.
Tip-toe gait. Also called: Toe walking. Identifiers: MedGen C0427144, HP:0030051.

Allele frequency attached by ClinVar (database versions not stated): 1000 Genomes Project 0.00599; ExAC 0.00478; TOPMed 0.00125; gnomAD 0.00129 and 0.00206; ESP Exome Variant Server 0.00161; 1000 Genomes Project 30x 0.00578; gnomAD exomes 0.00245 and 0.00424.
gnomAD v4.1: 3,945 of 1,612,830 alleles (0.24%); highest among the groups gnomAD compares: South Asian, 2.2%; 59 homozygotes.

Submissions 1 to 15 of 25:

CeGaT Center for Human Genetics Tuebingen
Classification: Benign. Last evaluated: 2026-09-01. Review status: criteria provided, single submitter. Criteria: CeGaT Center For Human Genetics Tuebingen Variant Classification Criteria Version 2. Collection method: clinical testing. Allele origin: germline. Affected: yes. Observed: 25 variant alleles.
Comment: TTN: BS1, BS2

Labcorp Genetics (formerly Invitae), Labcorp
Classification: Benign for Dilated cardiomyopathy 1G; Autosomal recessive limb-girdle muscular dystrophy type 2J. Last evaluated: 2026-02-03. Review status: criteria provided, single submitter. Criteria: Invitae Variant Classification Sherloc (09022015). Collection method: clinical testing. Allele origin: germline.

ARUP Laboratories, Molecular Genetics and Genomics, ARUP Laboratories
Classification: Benign. Last evaluated: 2025-06-23. Review status: criteria provided, single submitter. Criteria: ARUP Molecular Germline Variant Investigation Process 2024. Collection method: clinical testing. Allele origin: germline.

Molecular Diagnostic Laboratory for Inherited Cardiovascular Disease, Montreal Heart Institute
Classification: Benign. Last evaluated: 2025-04-09. Review status: criteria provided, single submitter. Criteria: ACMG Guidelines, 2015. Collection method: clinical testing. Allele origin: germline. Affected: no.

Athena Diagnostics
Classification: Benign. Last evaluated: 2025-01-21. Review status: criteria provided, single submitter. Criteria: Athena Diagnostics Criteria. Collection method: clinical testing. Allele origin: unknown.
Comment: The frequency of this variant in the general population is higher than would generally be expected for pathogenic variants in this gene.

Molecular Genetics, Royal Melbourne Hospital
Classification: Benign for TTN-related myopathy. Last evaluated: 2023-06-06. Review status: criteria provided, single submitter. Criteria: ACMG Guidelines, 2015. Collection method: clinical testing. Allele origin: germline. Inheritance: Autosomal recessive inheritance. Affected: no.

Department of Pathology and Laboratory Medicine, Sinai Health System
Classification: Benign for Tibial muscular dystrophy; Myopathy, myofibrillar, 9, with early respiratory failure; Dilated cardiomyopathy 1G; Autosomal recessive limb-girdle muscular dystrophy type 2J; Early-onset myopathy with fatal cardiomyopathy; Hypertrophic cardiomyopathy 9. Last evaluated: 2023-03-23. Review status: criteria provided, single submitter. Criteria: ACMG Guidelines, 2015. Collection method: research. Allele origin: germline.

Women's Health and Genetics/Laboratory Corporation of America, LabCorp
Classification: Benign. Last evaluated: 2019-10-07. Review status: criteria provided, single submitter. Criteria: LabCorp Variant Classification Summary - May 2015. Collection method: clinical testing. Allele origin: germline.
Comment: Variant summary: TTN c.1137A>G results in a synonymous change. Several computational tools predict a significant impact on normal splicing: Five predict the variant creates a 5 prime donor site. However, these predictions have not been confirmed by functional studies. The variant allele was found at a frequency of 0.0042 in 250158 control chromosomes, predominantly at a frequency of 0.023 within the South Asian subpopulation in the gnomAD database, including 14 homozygotes. The observed variant frequency within South Asian control individuals in the gnomAD database is approximately 37 fold of the estimated maximal expected allele frequency for a pathogenic variant in TTN causing Cardiomyopathy phenotype (0.00063), strongly suggesting that the variant is a benign polymorphism. To our knowledge, no occurrence of c.1137A>G in individuals affected with Cardiomyopathy and no experimental evidence demonstrating its impact on protein function have been reported. Four clinical diagnostic laboratories have submitted clinical-significance assessments for this variant to ClinVar after 2014 without evidence for independent evaluation, and all of them classified the variant as benign (3x) / likely benign (1x). Based on the evidence outlined above, the variant was classified as benign.

CHEO Genetics Diagnostic Laboratory, Children's Hospital of Eastern Ontario
Classification: Benign for Cardiomyopathy. Last evaluated: 2019-05-30. Review status: criteria provided, single submitter. Criteria: ACMG Guidelines, 2015. Collection method: clinical testing. Allele origin: germline. Study: Canadian Open Genetics Repository.

Mayo Clinic Laboratories, Mayo Clinic
Classification: Benign. Last evaluated: 2018-05-10. Review status: criteria provided, single submitter. Criteria: ACMG Guidelines, 2015. Collection method: clinical testing. Allele origin: germline. Observed: 10 variant alleles.

Illumina Laboratory Services, Illumina
Classification: Likely benign for Dilated cardiomyopathy 1G. Last evaluated: 2018-01-13. Review status: criteria provided, single submitter. Criteria: ICSL Variant Classification Criteria 13 December 2019. Collection method: clinical testing. Allele origin: germline.
Comment: This variant was observed in the ICSL laboratory as part of a predisposition screen in an ostensibly healthy population. It had not been previously curated by ICSL or reported in the Human Gene Mutation Database (HGMD: prior to June 1st, 2018), and was therefore a candidate for classification through an automated scoring system. Utilizing variant allele frequency, disease prevalence and penetrance estimates, and inheritance mode, an automated score was calculated to assess if this variant is too frequent to cause the disease. Based on the score and internal cut-off values, a variant classified as likely benign is not then subjected to further curation. The score for this variant resulted in a classification of likely benign for this disease.

Illumina Laboratory Services, Illumina
Classification: Benign for Myopathy, myofibrillar, 9, with early respiratory failure. Last evaluated: 2018-01-13. Review status: criteria provided, single submitter. Criteria: ICSL Variant Classification Criteria 13 December 2019. Collection method: clinical testing. Allele origin: germline.
Comment: This variant was observed in the ICSL laboratory as part of a predisposition screen in an ostensibly healthy population. It had not been previously curated by ICSL or reported in the Human Gene Mutation Database (HGMD: prior to June 1st, 2018), and was therefore a candidate for classification through an automated scoring system. Utilizing variant allele frequency, disease prevalence and penetrance estimates, and inheritance mode, an automated score was calculated to assess if this variant is too frequent to cause the disease. Based on the score and internal cut-off values, a variant classified as benign is not then subjected to further curation. The score for this variant resulted in a classification of benign for this disease.

Illumina Laboratory Services, Illumina
Classification: Likely benign for Early-onset myopathy with fatal cardiomyopathy. Last evaluated: 2018-01-13. Review status: criteria provided, single submitter. Criteria: ICSL Variant Classification Criteria 13 December 2019. Collection method: clinical testing. Allele origin: germline.
Comment: the same text as in the submission from Illumina Laboratory Services, Illumina above.

Illumina Laboratory Services, Illumina
Classification: Benign for Tibial muscular dystrophy. Last evaluated: 2018-01-13. Review status: criteria provided, single submitter. Criteria: ICSL Variant Classification Criteria 13 December 2019. Collection method: clinical testing. Allele origin: germline.
Comment: the same text as in the submission from Illumina Laboratory Services, Illumina above.

Illumina Laboratory Services, Illumina
Classification: Likely benign for Autosomal recessive limb-girdle muscular dystrophy type 2J. Last evaluated: 2018-01-13. Review status: criteria provided, single submitter. Criteria: ICSL Variant Classification Criteria 13 December 2019. Collection method: clinical testing. Allele origin: germline.
Comment: the same text as in the submission from Illumina Laboratory Services, Illumina above.

NM_001267550.2(TTN):c.1137A>G (p.Arg379=)

Gene: TTN (titin; minus strand). Cytogenetic location: 2q31.2.
Variant type: single nucleotide variant.
Coding change: c.1137A>G on transcript NM_001267550.2 (MANE Select); coding-DNA position 1137, A replaced by G.
Protein change: p.Arg379=; no amino-acid change (arginine 379 retained).
Molecular consequence: synonymous variant.
Genome position (GRCh38, 1-based): chr2:178,795,030, T>C on the plus strand (A>G on the coding strand, the complement: TTN is on the minus strand). VCF-style: chr2-178795030-T-C. GRCh37 (hg19) VCF-style: chr2-179659757-T-C.
Other names: p.R379R:AGA>AGG; p.Arg379=; c.1137A>G, p.Arg379= (NM_001256850.1, NM_133378.4, NM_003319.4 and 3 more transcripts).
Identifiers: ClinVar variation 46597 (VCV000046597.71), dbSNP rs55972547, ClinGen allele CA138707.